The following is an entry in ClinVar:

ClinVar aggregate classification (germline): Uncertain significance. Review status: criteria provided, multiple submitters, no conflicts (2 of 4 stars). 3 submissions from 3 submitters: Uncertain significance (3). Last evaluated 2025-05-30.

Conditions:
Cardiovascular phenotype. Identifiers: MedGen CN230736.
Brugada syndrome 8 (BRGDA8). Identifiers: Orphanet 130, MedGen C2751083, MONDO:0013148, OMIM 613123.

gnomAD v4.1: 21 of 1,311,042 alleles (0.0016%); highest among the groups gnomAD compares: East Asian, 0.0032%; no homozygotes.

Submissions (3):

Labcorp Genetics (formerly Invitae), Labcorp
Classification: Uncertain significance for Brugada syndrome 8. Last evaluated: 2025-05-30. Review status: criteria provided, single submitter. Criteria: Invitae Variant Classification Sherloc (09022015). Collection method: clinical testing. Allele origin: germline.
Comment: This sequence change replaces serine, which is neutral and polar, with tyrosine, which is neutral and polar, at codon 138 of the HCN4 protein (p.Ser138Tyr). This variant is not present in population databases (gnomAD no frequency). This variant has not been reported in the literature in individuals affected with HCN4-related conditions. ClinVar contains an entry for this variant (Variation ID: 1476453). Invitae Evidence Modeling of protein sequence and biophysical properties (such as structural, functional, and spatial information, amino acid conservation, physicochemical variation, residue mobility, and thermodynamic stability) indicates that this missense variant is not expected to disrupt HCN4 protein function with a negative predictive value of 95%. In summary, the available evidence is currently insufficient to determine the role of this variant in disease. Therefore, it has been classified as a Variant of Uncertain Significance.

Women's Health and Genetics/Laboratory Corporation of America, LabCorp
Classification: Uncertain significance. Last evaluated: 2024-03-19. Review status: criteria provided, single submitter. Criteria: LabCorp Variant Classification Summary - May 2015. Collection method: clinical testing. Allele origin: germline.
Comment: Variant summary: HCN4 c.413C>A (p.Ser138Tyr) results in a non-conservative amino acid change in the encoded protein sequence. Three of five in-silico tools predict a damaging effect of the variant on protein function. The frequency data for this variant in gnomAD is considered unreliable, as metrics indicate poor data quality at this position. To our knowledge, no occurrence of c.413C>A in individuals affected with Sick Sinus Syndrome 2 and no experimental evidence demonstrating its impact on protein function have been reported. ClinVar contains an entry for this variant (Variation ID: 1476453). Based on the evidence outlined above, the variant was classified as uncertain significance.

Ambry Genetics
Classification: Uncertain significance for Cardiovascular phenotype. Last evaluated: 2023-07-29. Review status: criteria provided, single submitter. Criteria: Ambry Variant Classification Scheme 2023. Collection method: clinical testing. Allele origin: germline.
Comment: The p.S138Y variant (also known as c.413C>A), located in coding exon 1 of the HCN4 gene, results from a C to A substitution at nucleotide position 413. The serine at codon 138 is replaced by tyrosine, an amino acid with dissimilar properties. This amino acid position is conserved. In addition, the in silico prediction for this alteration is inconclusive. Since supporting evidence is limited at this time, the clinical significance of this alteration remains unclear.

NM_005477.3(HCN4):c.413C>A (p.Ser138Tyr)

Gene: HCN4 (hyperpolarization activated cyclic nucleotide gated potassium channel 4; minus strand). Cytogenetic location: 15q24.1.
Variant type: single nucleotide variant.
Coding change: c.413C>A on transcript NM_005477.3 (MANE Select); coding-DNA position 413, C replaced by A.
Protein change: p.Ser138Tyr; replaces serine 138 with tyrosine.
Molecular consequence: missense variant.
Genome position (GRCh38, 1-based): chr15:73,367,858, G>T on the plus strand (C>A on the coding strand, the complement: HCN4 is on the minus strand). VCF-style: chr15-73367858-G-T. GRCh37 (hg19) VCF-style: chr15-73660199-G-T.
Other names: c.413C>A (NM_005477.2); short protein forms S138Y.
Identifiers: ClinVar variation 1476453 (VCV001476453.12), dbSNP rs1567801864, ClinGen allele CA393098096.